The following is an entry in ClinVar:

ClinVar aggregate classification (germline): Uncertain significance (1 of 4 stars; one submission).

Submission:

Labcorp Genetics (formerly Invitae), Labcorp
Classification: Uncertain significance. Last evaluated: 2023-12-11. Review status: criteria provided, single submitter. Criteria: Invitae Variant Classification Sherloc (09022015). Collection method: clinical testing. Allele origin: germline.
Comment: This sequence change replaces glutamine, which is neutral and polar, with arginine, which is basic and polar, at codon 56 of the CAST protein (p.Gln56Arg). The frequency data for this variant in the population databases is considered unreliable, as metrics indicate poor data quality at this position in the gnomAD database. This variant has not been reported in the literature in individuals affected with CAST-related conditions. ClinVar contains an entry for this variant (Variation ID: 1951098). An algorithm developed to predict the effect of missense changes on protein structure and function (PolyPhen-2) suggests that this variant is likely to be disruptive. In summary, the available evidence is currently insufficient to determine the role of this variant in disease. Therefore, it has been classified as a Variant of Uncertain Significance.

NM_001750.7(CAST):c.167_168delinsGG (p.Gln56Arg)

Gene: CAST (calpastatin; plus strand). Cytogenetic location: 5q15.
Variant type: Indel.
Coding change: c.167_168delinsGG on transcript NM_001750.7 (MANE Select); coding-DNA positions 167 to 168, AA replaced by GG.
Protein change: p.Gln56Arg; replaces glutamine 56 with arginine.
Molecular consequence: missense variant. On other transcripts: 5 prime UTR variant (1).
Genome position (GRCh38, 1-based): chr5:96,695,864-96,695,865, AA replaced by GG. VCF-style: chr5-96695864-AA-GG. GRCh37 (hg19) VCF-style: chr5-96031568-AA-GG.
Other names: c.167_168delinsGG, p.Gln56Arg (NM_001042440.5, NM_001042441.3, NM_001042442.3 and 2 more transcripts); c.-83_-82delinsGG (NM_001190442.2); c.167_168delAAinsGG, p.Gln56Arg (NM_001329966.1); c.122_123delinsGG, p.Gln41Arg (NM_001330628.2, NM_001330629.2, NM_001375317.1); short protein forms Q41R, Q56R.
Identifiers: ClinVar variation 1951098 (VCV001951098.5), dbSNP rs2531683037, ClinGen allele CA2580073819.